The following is an entry in ClinVar:

NM_001038.6(SCNN1A):c.1106T>G (p.Leu369Trp)

Gene: SCNN1A (sodium channel epithelial 1 subunit alpha; minus strand). Cytogenetic location: 12p13.31.
Variant type: single nucleotide variant.
Coding change: c.1106T>G on transcript NM_001038.6 (MANE Select); coding-DNA position 1106, T replaced by G.
Protein change: p.Leu369Trp; replaces leucine 369 with tryptophan.
Molecular consequence: missense variant.
Genome position (GRCh38, 1-based): chr12:6,355,309, A>C on the plus strand (T>G on the coding strand, the complement: SCNN1A is on the minus strand). VCF-style: chr12-6355309-A-C. GRCh37 (hg19) VCF-style: chr12-6464475-A-C.
Other names: c.1175T>G, p.Leu392Trp (NM_001159575.2); c.1283T>G, p.Leu428Trp (NM_001159576.2); short protein forms L369W, L392W, L428W.
Identifiers: ClinVar variation 2642614 (VCV002642614.24), dbSNP rs749335890, ClinGen allele CA6405989.
Genomic context (GRCh38, chr12:6,355,309, plus strand): 5'-GGCCTCCCAGTCAGCATCCTTGCCTTCCTCATGCTGATGGAGGTCTCCACGCCAGGCCGC[A>C]AGTTAAAGCCACCATCATCCATAAAGGCAGGTTCATCCTGCCCGTGCACCATTACCCGGG-3'
Protein context (NP_001029.1, residues 359-379): PAFMDDGGFN[Leu369Trp]RPGVETSISM

ClinVar aggregate classification (germline): Uncertain significance (1 of 4 stars; one submission).

Allele frequency attached by ClinVar (database versions not stated): ExAC 0.00001.

Submission:

CeGaT Center for Human Genetics Tuebingen
Classification: Uncertain significance. Last evaluated: 2023-03-01. Review status: criteria provided, single submitter. Criteria: CeGaT Center For Human Genetics Tuebingen Variant Classification Criteria Version 2. Collection method: clinical testing. Allele origin: germline. Affected: yes. Observed: 1 variant allele.
Comment: SCNN1A: PM2, BP4